The following is an entry in ClinVar:

ClinVar aggregate classification (germline): Benign (0 of 4 stars; one submission).

Conditions:
KCNQ1-related disorder. Also called: KCNQ1-related condition; KCNQ1-related disorders. Identifiers: MedGen CN239322.

Allele frequency attached by ClinVar (database versions not stated): 1000 Genomes Project 30x 0.04466; 1000 Genomes Project 0.04752.
gnomAD v4.1: 13,227 of 398,732 alleles (3.3%); highest among the groups gnomAD compares: South Asian, 9.6%; 300 homozygotes.

Submission:

PreventionGenetics, part of Exact Sciences
Classification: Benign for KCNQ1-related condition. Last evaluated: 2019-04-08. Review status: no assertion criteria provided. Collection method: clinical testing. Allele origin: germline.
Comment: This variant is classified as benign based on ACMG/AMP sequence variant interpretation guidelines (Richards et al. 2015 PMID: 25741868, with internal and published modifications).

NM_000218.3(KCNQ1):c.1514+26927G>C

Genes: KCNQ1 (potassium voltage-gated channel subfamily Q member 1; plus strand), KCNQ1OT1 (KCNQ1 opposite strand/antisense transcript 1; minus strand). Cytogenetic location: 11p15.5.
Variant type: single nucleotide variant.
Coding change: c.1514+26927G>C on transcript NM_000218.3 (MANE Select); 26927 bases into the intron after coding-DNA position 1514, G replaced by C.
Molecular consequence: intron variant. On other transcripts: non-coding transcript variant (1).
Genome position (GRCh38, 1-based): chr11:2,689,008, G>C. VCF-style: chr11-2689008-G-C. GRCh37 (hg19) VCF-style: chr11-2710238-G-C.
Other names: c.1244+26927G>C (NM_001406837.1); c.1418+26927G>C (NM_001406836.1); c.974+26927G>C (NM_001406838.1); c.1133+26927G>C (NM_181798.2).
Identifiers: ClinVar variation 3059860 (VCV003059860.2), dbSNP rs3889336, ClinGen allele CA13567387.
Genomic context (GRCh38, chr11:2,689,008, plus strand): 5'-GGCCTAGGGCTCTGAGAGTAGGGGTCTGATCTGGAGAGCAGGGGAGCCTGCAGGTCCCTG[G>C]GTTGGAATCCTGGAGCCCTGGGCTGCAGGGTTTTGAGGGGCAGTTACCTCCTCCTCCCCG-3'